The following is an entry in ClinVar:

ClinVar aggregate classification (germline): Uncertain significance (1 of 4 stars; one submission).

Submission:

Labcorp Genetics (formerly Invitae), Labcorp
Classification: Uncertain significance. Last evaluated: 2022-08-16. Review status: criteria provided, single submitter. Criteria: Invitae Variant Classification Sherloc (09022015). Collection method: clinical testing. Allele origin: germline.
Comment: This sequence change replaces lysine, which is basic and polar, with glutamine, which is neutral and polar, at codon 427 of the OBSL1 protein (p.Lys427Gln). This variant is not present in population databases (gnomAD no frequency). This variant has not been reported in the literature in individuals affected with OBSL1-related conditions. ClinVar contains an entry for this variant (Variation ID: 1496688). Algorithms developed to predict the effect of missense changes on protein structure and function are either unavailable or do not agree on the potential impact of this missense change (SIFT: "Deleterious"; PolyPhen-2: "Benign"; Align-GVGD: "Class C0"). In summary, the available evidence is currently insufficient to determine the role of this variant in disease. Therefore, it has been classified as a Variant of Uncertain Significance.

NM_015311.3(OBSL1):c.1279A>C (p.Lys427Gln)

Gene: OBSL1 (obscurin like cytoskeletal adaptor 1; minus strand). Cytogenetic location: 2q35.
Variant type: single nucleotide variant.
Coding change: c.1279A>C on transcript NM_015311.3 (MANE Select); coding-DNA position 1279, A replaced by C.
Protein change: p.Lys427Gln; replaces lysine 427 with glutamine.
Molecular consequence: missense variant.
Genome position (GRCh38, 1-based): chr2:219,568,058, T>G on the plus strand (A>C on the coding strand, the complement: OBSL1 is on the minus strand). VCF-style: chr2-219568058-T-G. GRCh37 (hg19) VCF-style: chr2-220432780-T-G.
Other names: c.1279A>C, p.Lys427Gln (NM_001173408.2, NM_001173431.2); short protein forms K427Q.
Identifiers: ClinVar variation 1496688 (VCV001496688.8), dbSNP rs766848633, ClinGen allele CA350760052.